The following is an entry in ClinVar:

ClinVar aggregate classification (germline): Uncertain significance (1 of 4 stars; one submission).

Conditions:
Combined immunodeficiency with skin granulomas. Identifiers: Orphanet 157949, MedGen C2673536, MONDO:0009306, OMIM 233650.
Severe combined immunodeficiency, autosomal recessive, T cell-negative, B cell-negative, NK cell-positive. Also called: SCID, T CELL-NEGATIVE, B CELL-NEGATIVE, NK CELL-POSITIVE; Severe combined immunodeficiency due to complete RAG1/2 deficiency; SCID, AR, T-cell negative, B-cell negative, NK cell-positive. Identifiers: Orphanet 331206, MedGen C1832322, MONDO:0011086, OMIM 601457.

Submission:

Labcorp Genetics (formerly Invitae), Labcorp
Classification: Uncertain significance for Combined immunodeficiency with skin granulomas; Severe combined immunodeficiency, autosomal recessive, T cell-negative, B cell-negative, NK cell-positive. Last evaluated: 2019-11-12. Review status: criteria provided, single submitter. Criteria: Invitae Variant Classification Sherloc (09022015). Collection method: clinical testing. Allele origin: germline.
Comment: In summary, the available evidence is currently insufficient to determine the role of this variant in disease. Therefore, it has been classified as a Variant of Uncertain Significance. Algorithms developed to predict the effect of missense changes on protein structure and function (SIFT, PolyPhen-2, Align-GVGD) all suggest that this variant is likely to be tolerated, but these predictions have not been confirmed by published functional studies and their clinical significance is uncertain. This sequence change replaces glutamic acid with glutamine at codon 1036 of the RAG1 protein (p.Glu1036Gln). The glutamic acid residue is moderately conserved and there is a small physicochemical difference between glutamic acid and glutamine. This variant has not been reported in the literature in individuals with RAG1-related conditions. This variant is not present in population databases (ExAC no frequency).

NM_000448.3(RAG1):c.3106G>C (p.Glu1036Gln)

Gene: RAG1 (recombination activating 1; plus strand). Cytogenetic location: 11p12.
Variant type: single nucleotide variant.
Coding change: c.3106G>C on transcript NM_000448.3 (MANE Select); coding-DNA position 3106, G replaced by C.
Protein change: p.Glu1036Gln; replaces glutamic acid 1036 with glutamine.
Molecular consequence: missense variant.
Genome position (GRCh38, 1-based): chr11:36,576,410, G>C. VCF-style: chr11-36576410-G-C. GRCh37 (hg19) VCF-style: chr11-36597960-G-C.
Other names: c.3106G>C, p.Glu1036Gln (NM_001377277.1, NM_001377278.1, NM_001377279.1 and 1 more transcripts); short protein forms E1036Q.
Identifiers: ClinVar variation 957235 (VCV000957235.9), dbSNP rs1850853178, ClinGen allele CA380137138.
Genomic context (GRCh38, chr11:36,576,410, plus strand): 5'-GGGTTTACCATGAACCCTCAGGCAAGCTTAGGGGACCCATTAGGCATAGAGGACTCTCTG[G>C]AAAGCCAAGATTCAATGGAATTTTAAGTAGGGCAACCACTTATGAGTTGGTTTTTGCAAT-3'
Protein context (NP_000439.2, residues 1026-1043): GDPLGIEDSL[Glu1036Gln]SQDSMEF